The following is an entry in ClinVar:

NM_000038.6(APC):c.7557T>C (p.Asp2519=)

Gene: APC (APC regulator of Wnt signaling pathway; plus strand). Cytogenetic location: 5q22.2.
Variant type: single nucleotide variant.
Coding change: c.7557T>C on transcript NM_000038.6 (MANE Select); coding-DNA position 7557, T replaced by C.
Protein change: p.Asp2519=; no amino-acid change (aspartic acid 2519 retained).
Molecular consequence: synonymous variant.
Genome position (GRCh38, 1-based): chr5:112,843,151, T>C. VCF-style: chr5-112843151-T-C. GRCh37 (hg19) VCF-style: chr5-112178848-T-C.
Other names: c.7557T>C, p.Asp2519= (NM_001127510.3, NM_001354895.2); c.7503T>C, p.Asp2501= (NM_001127511.3); c.7611T>C, p.Asp2537= (NM_001354896.2); c.7587T>C, p.Asp2529= (NM_001354897.2); c.7482T>C, p.Asp2494= (NM_001354898.2); c.7473T>C, p.Asp2491= (NM_001354899.2); c.7434T>C, p.Asp2478= (NM_001354900.2); c.7380T>C, p.Asp2460= (NM_001354901.2); and 5 more.
Identifiers: ClinVar variation 220127 (VCV000220127.30), dbSNP rs864622391, ClinGen allele CA348079.

ClinVar aggregate classification (germline): Benign/Likely benign. Review status: criteria provided, multiple submitters, no conflicts (2 of 4 stars). 7 submissions from 7 submitters: Benign (1); Likely benign (6). Last evaluated 2025-09-15.

Conditions:
Classic or attenuated familial adenomatous polyposis. Identifiers: MedGen CN372698, MONDO:0021057.
Hereditary cancer-predisposing syndrome. Also called: Neoplastic Syndromes, Hereditary; Hereditary Cancer Syndrome; Tumor predisposition; Hereditary neoplastic syndrome. Identifiers: Orphanet 140162, MedGen C0027672, MeSH D009386, MONDO:0015356.
Familial adenomatous polyposis 1 (FAP1). Also called: POLYPOSIS, ADENOMATOUS INTESTINAL; FAMILIAL ADENOMATOUS POLYPOSIS 1, ATTENUATED. Identifiers: MedGen C2713442, MONDO:0021056, OMIM 175100. Disease mechanism: loss of function.

Allele frequency attached by ClinVar (database versions not stated): gnomAD exomes below 0.00001.
gnomAD v4.1: 3 of 1,613,884 alleles (0.00019%); highest among the groups gnomAD compares: Non-Finnish European, 0.00017%; no homozygotes.

Submissions (7):

Labcorp Genetics (formerly Invitae), Labcorp
Classification: Likely benign for Familial adenomatous polyposis 1. Last evaluated: 2025-09-15. Review status: criteria provided, single submitter. Criteria: Invitae Variant Classification Sherloc (09022015). Collection method: clinical testing. Allele origin: germline.

CeGaT Center for Human Genetics Tuebingen
Classification: Likely benign. Last evaluated: 2025-08-01. Review status: criteria provided, single submitter. Criteria: CeGaT Center For Human Genetics Tuebingen Variant Classification Criteria Version 2. Collection method: clinical testing. Allele origin: germline. Affected: yes. Observed: 1 variant allele.
Comment: APC: BP4, BP7

Myriad Genetics, Inc.
Classification: Benign for Familial adenomatous polyposis 1. Last evaluated: 2024-04-10. Review status: criteria provided, single submitter. Criteria: Myriad Autosomal Dominant, Autosomal Recessive and X-Linked Classification Criteria (2023). Collection method: clinical testing. Allele origin: unknown.
Comment: This variant is considered benign. This variant is a silent/synonymous amino acid change and it is not expected to impact splicing.

All of Us Research Program, National Institutes of Health
Classification: Likely benign for Classic or attenuated familial adenomatous polyposis. Last evaluated: 2023-10-23. Review status: criteria provided, single submitter. Criteria: ACMG Guidelines, 2015. Collection method: clinical testing. Allele origin: germline. Inheritance: Autosomal dominant inheritance. Observed: 1 variant allele, 1 heterozygote.
Comment: This study involves interpretation of variants in research participants for the purpose of population health screening. Participant phenotype was not available at the time of variant classification. Additional details can be found in publication PMID: 35346344, PMCID: PMC8962531

Blueprint Genetics
Classification: Likely benign. Last evaluated: 2022-02-17. Review status: criteria provided, single submitter. Criteria: ACMG Guidelines, 2015. Collection method: clinical testing. Allele origin: germline.

Ambry Genetics
Classification: Likely benign for Hereditary cancer-predisposing syndrome. Last evaluated: 2019-12-20. Review status: criteria provided, single submitter. Criteria: Ambry Variant Classification Scheme 2023. Collection method: clinical testing. Allele origin: germline.

Color Diagnostics, LLC DBA Color Health
Classification: Likely benign for Hereditary cancer-predisposing syndrome. Last evaluated: 2018-03-27. Review status: criteria provided, single submitter. Criteria: ACMG Guidelines, 2015. Collection method: clinical testing. Allele origin: germline.